The following is an entry in ClinVar:

NM_017636.4(TRPM4):c.1332C>T (p.Leu444=)

Gene: TRPM4 (transient receptor potential cation channel subfamily M member 4; plus strand). Cytogenetic location: 19q13.33.
Variant type: single nucleotide variant.
Coding change: c.1332C>T on transcript NM_017636.4 (MANE Select); coding-DNA position 1332, C replaced by T.
Protein change: p.Leu444=; no amino-acid change (leucine 444 retained).
Molecular consequence: synonymous variant. On other transcripts: 5 prime UTR variant (1).
Genome position (GRCh38, 1-based): chr19:49,182,646, C>T. VCF-style: chr19-49182646-C-T. GRCh37 (hg19) VCF-style: chr19-49685903-C-T.
Other names: c.1332C>T, p.Leu444= (NM_001195227.2); c.987C>T, p.Leu329= (NM_001321281.2); c.-222C>T (NM_001321282.2); c.810C>T, p.Leu270= (NM_001321283.2); c.270C>T, p.Leu90= (NM_001321285.2).
Identifiers: ClinVar variation 507405 (VCV000507405.4), dbSNP rs1229281209, ClinGen allele CA508282549.

ClinVar aggregate classification (germline): Conflicting classifications of pathogenicity. Review status: criteria provided, conflicting classifications (1 of 4 stars). 3 submissions from 3 submitters: Uncertain significance (1); Likely benign (2). Last evaluated 2025-09-02.

Conditions:
Progressive familial heart block type IB (PFHB1B). Identifiers: Orphanet 871, MedGen C1970298, MONDO:0011474, OMIM 604559.
Cardiovascular phenotype. Identifiers: MedGen CN230736.

Allele frequency attached by ClinVar (database versions not stated): gnomAD exomes below 0.00001; TOPMed below 0.00001.

Submissions (3):

Ambry Genetics
Classification: Uncertain significance for Cardiovascular phenotype. Last evaluated: 2025-09-02. Review status: criteria provided, single submitter. Criteria: Ambry Variant Classification Scheme 2023. Collection method: clinical testing. Allele origin: germline.
Comment: The c.1332C>T variant (also known as p.L444L), located in coding exon 11 of the TRPM4 gene, results from a C to T substitution at nucleotide position 1332. This nucleotide substitution does not change the leucine at codon 444. This nucleotide position is well conserved in available vertebrate species. In silico splice site analysis for this alteration is inconclusive. Based on the available evidence, the clinical significance of this variant remains unclear.

Labcorp Genetics (formerly Invitae), Labcorp
Classification: Likely benign for Progressive familial heart block type IB. Last evaluated: 2024-02-13. Review status: criteria provided, single submitter. Criteria: Invitae Variant Classification Sherloc (09022015). Collection method: clinical testing. Allele origin: germline.

GeneDx
Classification: Likely benign. Last evaluated: 2017-02-13. Review status: criteria provided, single submitter. Criteria: GeneDx Variant Classification (06012015). Collection method: clinical testing. Allele origin: germline. Affected: yes.
Comment: This variant is considered likely benign or benign based on one or more of the following criteria: it is a conservative change, it occurs at a poorly conserved position in the protein, it is predicted to be benign by multiple in silico algorithms, and/or has population frequency not consistent with disease.